The following is an entry in ClinVar:

ClinVar aggregate classification (germline): Uncertain significance (1 of 4 stars; one submission).

Submission:

GeneDx
Classification: Uncertain significance. Last evaluated: 2023-04-30. Review status: criteria provided, single submitter. Criteria: GeneDx Variant Classification Process June 2021. Collection method: clinical testing. Allele origin: germline. Affected: yes.
Comment: Not observed at significant frequency in large population cohorts (gnomAD); In silico analysis supports that this missense variant has a deleterious effect on protein structure/function; Has not been previously published as pathogenic or benign to our knowledge

NM_000836.4(GRIN2D):c.1605G>A (p.Met535Ile)

Gene: GRIN2D (glutamate ionotropic receptor NMDA type subunit 2D; plus strand). Cytogenetic location: 19q13.33.
Variant type: single nucleotide variant.
Coding change: c.1605G>A on transcript NM_000836.4 (MANE Select); coding-DNA position 1605, G replaced by A.
Protein change: p.Met535Ile; replaces methionine 535 with isoleucine.
Molecular consequence: missense variant.
Genome position (GRCh38, 1-based): chr19:48,416,025, G>A. VCF-style: chr19-48416025-G-A. GRCh37 (hg19) VCF-style: chr19-48919282-G-A.
Other names: short protein forms M535I.
Identifiers: ClinVar variation 2663659 (VCV002663659.1), dbSNP rs1390364278, ClinGen allele CA406695989.